The following is an entry in ClinVar:

NM_000257.4(MYH7):c.1253A>C (p.Gln418Pro)

Gene: MYH7 (myosin heavy chain 7; minus strand). Cytogenetic location: 14q11.2.
Variant type: single nucleotide variant.
Coding change: c.1253A>C on transcript NM_000257.4 (MANE Select); coding-DNA position 1253, A replaced by C.
Protein change: p.Gln418Pro; replaces glutamine 418 with proline.
Molecular consequence: missense variant.
Genome position (GRCh38, 1-based): chr14:23,429,233, T>G on the plus strand (A>C on the coding strand, the complement: MYH7 is on the minus strand). VCF-style: chr14-23429233-T-G. GRCh37 (hg19) VCF-style: chr14-23898442-T-G.
Other names: short protein forms Q418P.
Identifiers: ClinVar variation 1447117 (VCV001447117.8), dbSNP rs2138675766, ClinGen allele CA389051026.

ClinVar aggregate classification (germline): Uncertain significance (1 of 4 stars; one submission).

Conditions:
Hypertrophic cardiomyopathy. Also called: HYPERTROPHIC MYOCARDIOPATHY. Identifiers: Orphanet 217569, MedGen C0007194, MeSH D002312, MONDO:0005045, HP:0001639.

Submission:

Labcorp Genetics (formerly Invitae), Labcorp
Classification: Uncertain significance for Hypertrophic cardiomyopathy. Last evaluated: 2021-01-15. Review status: criteria provided, single submitter. Criteria: Invitae Variant Classification Sherloc (09022015). Collection method: clinical testing. Allele origin: germline.
Comment: This sequence change replaces glutamine with proline at codon 418 of the MYH7 protein (p.Gln418Pro). The glutamine residue is highly conserved and there is a moderate physicochemical difference between glutamine and proline. In summary, the available evidence is currently insufficient to determine the role of this variant in disease. Therefore, it has been classified as a Variant of Uncertain Significance. This variant is found within a region of MYH7 between codons 181 and 937 that contains the majority of the myosin head domain. Missense variants in this region have been shown to be significantly overrepresented in individuals with hypertrophic cardiomyopathy (PMID: 27532257). Algorithms developed to predict the effect of missense changes on protein structure and function are either unavailable or do not agree on the potential impact of this missense change (SIFT: "Deleterious"; PolyPhen-2: "Benign"; Align-GVGD: "Class C0"). This variant has not been reported in the literature in individuals with MYH7-related conditions. This variant is not present in population databases (ExAC no frequency).

Literature cited by the submitters: PubMed 27532257.